The following is an entry in ClinVar:

ClinVar aggregate classification (germline): Uncertain significance (1 of 4 stars; one submission).

Conditions:
Inborn genetic diseases. Identifiers: MedGen C0950123, MeSH D030342.

Allele frequency attached by ClinVar (database versions not stated): gnomAD exomes below 0.00001.
gnomAD v4.1: 1 of 1,611,920 alleles (0.000062%); highest among the groups gnomAD compares: South Asian, 0.0011%; no homozygotes.

Submission:

Ambry Genetics
Classification: Uncertain significance for Inborn genetic diseases. Last evaluated: 2022-05-12. Review status: criteria provided, single submitter. Criteria: Ambry Variant Classification Scheme 2023. Collection method: clinical testing. Allele origin: germline.
Comment: The p.W372L variant (also known as c.1115G>T), located in coding exon 10 of the LRRK2 gene, results from a G to T substitution at nucleotide position 1115. The tryptophan at codon 372 is replaced by leucine, an amino acid with similar properties. This amino acid position is conserved. In addition, this alteration is predicted to be tolerated by in silico analysis. Since supporting evidence is limited at this time, the clinical significance of this alteration remains unclear.

NM_198578.4(LRRK2):c.1115G>T (p.Trp372Leu)

Gene: LRRK2 (leucine rich repeat kinase 2; plus strand). Cytogenetic location: 12q12.
Variant type: single nucleotide variant.
Coding change: c.1115G>T on transcript NM_198578.4 (MANE Select); coding-DNA position 1115, G replaced by T.
Protein change: p.Trp372Leu; replaces tryptophan 372 with leucine.
Molecular consequence: missense variant.
Genome position (GRCh38, 1-based): chr12:40,251,478, G>T. VCF-style: chr12-40251478-G-T. GRCh37 (hg19) VCF-style: chr12-40645280-G-T.
Other names: short protein forms W372L.
Identifiers: ClinVar variation 1796220 (VCV001796220.2), dbSNP rs2499505280, ClinGen allele CA384408057.